The following is an entry in ClinVar:

ClinVar aggregate classification (germline): Likely pathogenic (1 of 4 stars; one submission).

Conditions:
Retinitis pigmentosa 11 (RP11). Identifiers: Orphanet 791, MedGen C1838601, MONDO:0010828, OMIM 600138.

Submission:

3billion
Classification: Likely pathogenic for Retinitis pigmentosa 11. Last evaluated: 2024-02-04. Review status: criteria provided, single submitter. Criteria: ACMG Guidelines, 2015. Collection method: clinical testing. Allele origin: germline. Affected: yes.
Comment: The variant is not observed in the gnomAD v2.1.1 dataset. Predicted Consequence/Location: Frameshift: predicted to result in a loss or disruption of normal protein function through nonsense-mediated decay (NMD) or protein truncation. Multiple pathogenic variants are reported downstream of the variant. Therefore, this variant is classified as Likely pathogenic according to the recommendation of ACMG/AMP guideline.

NM_015629.4(PRPF31):c.800_801del (p.Val267fs)

Gene: PRPF31 (pre-mRNA processing factor 31; plus strand). Cytogenetic location: 19q13.42.
Variant type: Deletion.
Coding change: c.800_801del on transcript NM_015629.4 (MANE Select); coding-DNA positions 800 to 801, 2 bases deleted (TG; older notation c.800_801delTG).
Protein change: p.Val267fs; shifts the reading frame from valine 267.
Molecular consequence: frameshift variant.
Genome position (GRCh38, 1-based): chr19:54,124,601-54,124,602, TG deleted; deleting any 2 consecutive bases within chr19:54,124,600-54,124,602 gives the same sequence; the c. name uses the placement nearest the transcript's 3' end. VCF-style (leftmost placement, unchanged base first): chr19-54124599-AGT-A. GRCh37 (hg19) VCF-style: chr19-54627978-AGT-A.
Other names: short protein forms V267fs.
Identifiers: ClinVar variation 3776176 (VCV003776176.1).